The following is an entry in ClinVar:

NM_001370259.2(MEN1):c.1445del (p.Gly482fs)

Gene: MEN1 (menin 1; minus strand). Cytogenetic location: 11q13.1.
Variant type: Deletion.
Coding change: c.1445del on transcript NM_001370259.2 (MANE Select); coding-DNA position 1445, one base deleted (G; older notation c.1445delG).
Protein change: p.Gly482fs; shifts the reading frame from glycine 482.
Molecular consequence: frameshift variant.
Genome position (GRCh38, 1-based): chr11:64,804,722, C deleted on the plus strand (G on the coding strand, the reverse complement: MEN1 is on the minus strand); the first of 4 consecutive C bases (chr11:64,804,722-64,804,725); deleting any one gives the same sequence. VCF-style (leftmost placement, unchanged base first): chr11-64804721-GC-G. GRCh37 (hg19) VCF-style: chr11-64572193-GC-G.
Other names: c.1460del, p.Gly487fs (NM_000244.4, NM_130800.3, NM_130801.3 and 3 more transcripts); c.1571del, p.Gly524fs (NM_001370251.2); c.1445del, p.Gly482fs (NM_001370260.2, NM_001370261.2, NM_130799.3); c.1340del, p.Gly447fs (NM_001370262.2, NM_001370263.2); c.1568delG, p.Gly524Alafs (NM_001407142.1, NM_001407143.1, NM_001407144.1); c.1457delG, p.Gly487Alafs (NM_001407145.1); c.1442delG, p.Gly482Alafs (NM_001407146.1, NM_001407147.1); c.1337delG, p.Gly447Alafs (NM_001407148.1, NM_001407149.1); and 4 more; short protein forms G524fs, G447fs, G482fs, G487fs.
Identifiers: ClinVar variation 1772790 (VCV001772790.2), dbSNP rs2497124189, ClinGen allele CA1139770423.

ClinVar aggregate classification (germline): Pathogenic (1 of 4 stars; one submission).

Conditions:
Hereditary cancer-predisposing syndrome. Also called: Hereditary Cancer Syndrome; Hereditary neoplastic syndrome; Neoplastic Syndromes, Hereditary; Tumor predisposition. Identifiers: Orphanet 140162, MedGen C0027672, MeSH D009386, MONDO:0015356.

Submission:

Ambry Genetics
Classification: Pathogenic for Hereditary cancer-predisposing syndrome. Last evaluated: 2018-08-02. Review status: criteria provided, single submitter. Criteria: Ambry Variant Classification Scheme 2023. Collection method: clinical testing. Allele origin: germline.
Comment: The c.1445delG pathogenic mutation, located in coding exon 9 of the MEN1 gene, results from a deletion of one nucleotide at nucleotide position 1445, causing a translational frameshift with a predicted alternate stop codon (p.G482Afs*77). This alteration is expected to result in loss of function by premature protein truncation. As such, this alteration is interpreted as a disease-causing mutation.